The following is an entry in ClinVar:

ClinVar aggregate classification (germline): Uncertain significance (1 of 4 stars; one submission).

Submission:

Labcorp Genetics (formerly Invitae), Labcorp
Classification: Uncertain significance. Last evaluated: 2023-05-11. Review status: criteria provided, single submitter. Criteria: Invitae Variant Classification Sherloc (09022015). Collection method: clinical testing. Allele origin: germline.
Comment: This variant has not been reported in the literature in individuals affected with DVL3-related conditions. This variant is not present in population databases (gnomAD no frequency). This sequence change creates a premature translational stop signal (p.Asp63Thrfs*96) in the DVL3 gene. It is expected to result in an absent or disrupted protein product. However, the current clinical and genetic evidence is not sufficient to establish whether loss-of-function variants in DVL3 cause disease. In summary, the available evidence is currently insufficient to determine the role of this variant in disease. Therefore, it has been classified as a Variant of Uncertain Significance.

NM_004423.4(DVL3):c.187del (p.Asp63fs)

Gene: DVL3 (dishevelled segment polarity protein 3; plus strand). Cytogenetic location: 3q27.1.
Variant type: Deletion.
Coding change: c.187del on transcript NM_004423.4 (MANE Select); coding-DNA position 187, one base deleted (G; older notation c.187delG).
Protein change: p.Asp63fs; shifts the reading frame from aspartic acid 63.
Molecular consequence: frameshift variant.
Genome position (GRCh38, 1-based): chr3:184,163,682, G deleted. VCF-style (leftmost placement, unchanged base first): chr3-184163681-TG-T. GRCh37 (hg19) VCF-style: chr3-183881469-TG-T.
Other names: short protein forms D63fs.
Identifiers: ClinVar variation 2784815 (VCV002784815.3), dbSNP rs2473696554, ClinGen allele CA2739278229.
Genomic context (GRCh38, chr3:184,163,681, plus strand): 5'-TAGAAGGTTCTCTGTGACATCCCCCTTTCTCTGCAGAGTGGTGAAGGAGGAGATCTCGGA[TG>T]ACAATGCCAAGCTACCATGCTTCAATGGCCGGGTGGTGTCCTGGGTAAGGAGCCCTCAGC-3'